The following is an entry in ClinVar:

ClinVar aggregate classification (germline): Uncertain significance. Review status: criteria provided, multiple submitters, no conflicts (2 of 4 stars). 4 submissions from 4 submitters: Uncertain significance (2). 2 of the submissions do not count toward it. Last evaluated 2022-12-23.

Conditions:
SETD2-related disorder.
Luscan-Lumish syndrome. Identifiers: Orphanet 597738, MedGen C4085873, MONDO:0014791, OMIM 616831.

Allele frequency attached by ClinVar (database versions not stated): TOPMed 0.00001; gnomAD 0.00002 and 0.00003; ExAC 0.00003; gnomAD exomes 0.00003; ESP Exome Variant Server 0.00008.
gnomAD v4.1: 34 of 1,613,946 alleles (0.0021%); highest among the groups gnomAD compares: East Asian, 0.016%; no homozygotes.

Submissions (4):

Labcorp Genetics (formerly Invitae), Labcorp
Classification: Uncertain significance for Luscan-Lumish syndrome. Last evaluated: 2022-12-23. Review status: criteria provided, single submitter. Criteria: Invitae Variant Classification Sherloc (09022015). Collection method: clinical testing. Allele origin: germline.
Comment: ClinVar contains an entry for this variant (Variation ID: 135216). This sequence change replaces asparagine, which is neutral and polar, with aspartic acid, which is acidic and polar, at codon 1046 of the SETD2 protein (p.Asn1046Asp). This variant is present in population databases (rs199890800, gnomAD 0.008%). This variant has not been reported in the literature in individuals affected with SETD2-related conditions. Advanced modeling of protein sequence and biophysical properties (such as structural, functional, and spatial information, amino acid conservation, physicochemical variation, residue mobility, and thermodynamic stability) performed at Invitae indicates that this missense variant is not expected to disrupt SETD2 protein function. In summary, the available evidence is currently insufficient to determine the role of this variant in disease. Therefore, it has been classified as a Variant of Uncertain Significance.

Athena Diagnostics
Classification: Uncertain significance. Last evaluated: 2017-11-14. Review status: criteria provided, single submitter. Criteria: Athena Diagnostics Criteria. Collection method: clinical testing. Allele origin: germline.

PreventionGenetics, part of Exact Sciences
Classification: Uncertain significance for SETD2-related condition. Last evaluated: 2023-12-28. Review status: no assertion criteria provided. Collection method: clinical testing. Allele origin: germline. Not counted in ClinVar's aggregate classification.
Comment: The SETD2 c.3136A>G variant is predicted to result in the amino acid substitution p.Asn1046Asp. To our knowledge, this variant has not been reported in the literature. This variant is reported in 0.0080% of alleles in individuals of African descent in gnomAD. At this time, the clinical significance of this variant is uncertain due to the absence of conclusive functional and genetic evidence.

ITMI
No classification provided. Condition: AllHighlyPenetrant. Last evaluated: 2013-09-19. Review status: no classification provided. Collection method: reference population. Allele origin: germline. Not counted in ClinVar's aggregate classification.
Comment: Please see associated publication for description of ethnicities

Literature cited by the submitters: PubMed 24728327 (cited by ITMI).

NM_014159.7(SETD2):c.3136A>G (p.Asn1046Asp)

Gene: SETD2 (SET domain containing 2, histone lysine methyltransferase; minus strand). Cytogenetic location: 3p21.31.
Variant type: single nucleotide variant.
Coding change: c.3136A>G on transcript NM_014159.7 (MANE Select); coding-DNA position 3136, A replaced by G.
Protein change: p.Asn1046Asp; replaces asparagine 1046 with aspartic acid.
Molecular consequence: missense variant. On other transcripts: non-coding transcript variant (1).
Genome position (GRCh38, 1-based): chr3:47,121,500, T>C on the plus strand (A>G on the coding strand, the complement: SETD2 is on the minus strand). VCF-style: chr3-47121500-T-C. GRCh37 (hg19) VCF-style: chr3-47162990-T-C.
Other names: c.3004A>G, p.Asn1002Asp (NM_001349370.3); short protein forms N1046D, N1002D.
Identifiers: ClinVar variation 135216 (VCV000135216.8), dbSNP rs199890800, ClinGen allele CA162041.